The following is an entry in ClinVar:

ClinVar aggregate classification (germline): Pathogenic (1 of 4 stars; one submission).

Conditions:
Parathyroid carcinoma (PRTC). Also called: CDC73-Related Parathyroid Carcinoma; Parathyroid gland carcinoma. Identifiers: Orphanet 143, MedGen C0687150, MONDO:0012004, OMIM 608266, HP:0006780.

Submission:

Labcorp Genetics (formerly Invitae), Labcorp
Classification: Pathogenic for Parathyroid carcinoma. Last evaluated: 2019-10-30. Review status: criteria provided, single submitter. Criteria: Invitae Variant Classification Sherloc (09022015). Collection method: clinical testing. Allele origin: germline.
Comment: For these reasons, this variant has been classified as Pathogenic. Loss-of-function variants in CDC73 are known to be pathogenic (PMID: 12434154). This variant has not been reported in the literature in individuals with a CDC73-related disease. This variant is not present in population databases (ExAC no frequency). This sequence change creates a premature translational stop signal (p.Ile18Serfs*47) in the CDC73 gene. It is expected to result in an absent or disrupted protein product.

Literature cited by the submitters: PubMed 12434154.

NM_024529.5(CDC73):c.53_54del (p.Ile18fs)

Gene: CDC73 (cell division cycle 73; plus strand). Cytogenetic location: 1q31.2.
Variant type: Deletion.
Coding change: c.53_54del on transcript NM_024529.5 (MANE Select); coding-DNA positions 53 to 54, 2 bases deleted (TT; older notation c.53_54delTT).
Protein change: p.Ile18fs; shifts the reading frame from isoleucine 18.
Molecular consequence: frameshift variant.
Genome position (GRCh38, 1-based): chr1:193,122,253-193,122,254, TT deleted. VCF-style (leftmost placement, unchanged base first): chr1-193122252-ATT-A. GRCh37 (hg19) VCF-style: chr1-193091382-ATT-A.
Other names: c.53_54delTT (NM_024529.4); short protein forms I18fs.
Identifiers: ClinVar variation 567635 (VCV000567635.9), dbSNP rs1558276157, ClinGen allele CA891843451.